The following is an entry in ClinVar:

ClinVar aggregate classification (germline): Uncertain significance. Review status: criteria provided, multiple submitters, no conflicts (2 of 4 stars). 2 submissions from 2 submitters: Uncertain significance (2). Last evaluated 2026-01-21.

Conditions:
Mucopolysaccharidosis, MPS-II (MPS2). Also called: IDS deficiency; Sulfoiduronate sulfatase deficiency; SIDS deficiency; Mucopolysaccharidosis with skin involvement; Attenuated MPS (subtype; formerly known as mild MPS II); Severe MPS II. Identifiers: Orphanet 580, Orphanet 79388, MedGen C0026705, MONDO:0010674, OMIM 309900.

Submissions (2):

Labcorp Genetics (formerly Invitae), Labcorp
Classification: Uncertain significance for Mucopolysaccharidosis, MPS-II. Last evaluated: 2026-01-21. Review status: criteria provided, single submitter. Criteria: Invitae Variant Classification Sherloc (09022015). Collection method: clinical testing. Allele origin: germline.
Comment: This sequence change replaces isoleucine, which is neutral and non-polar, with asparagine, which is neutral and polar, at codon 230 of the IDS protein (p.Ile230Asn). This variant is not present in population databases (gnomAD no frequency). This variant has not been reported in the literature in individuals affected with IDS-related conditions. ClinVar contains an entry for this variant (Variation ID: 3692569). Invitae Evidence Modeling of protein sequence and biophysical properties (such as structural, functional, and spatial information, amino acid conservation, physicochemical variation, residue mobility, and thermodynamic stability) has been performed for this missense variant. However, the output from this modeling did not meet the statistical confidence thresholds required to predict the impact of this variant on IDS protein function. In summary, the available evidence is currently insufficient to determine the role of this variant in disease. Therefore, it has been classified as a Variant of Uncertain Significance.

Revvity Omics, Revvity
Classification: Uncertain significance for Mucopolysaccharidosis, MPS-II. Last evaluated: 2024-08-16. Review status: criteria provided, single submitter. Criteria: ACMG Guidelines, 2015. Collection method: clinical testing. Allele origin: germline.

NM_000202.8(IDS):c.689T>A (p.Ile230Asn)

Genes: IDS (iduronate 2-sulfatase; minus strand), LOC106050102 (IDS recombination region; plus strand). Cytogenetic location: Xq28.
Variant type: single nucleotide variant.
Coding change: c.689T>A on transcript NM_000202.8 (MANE Select); coding-DNA position 689, T replaced by A.
Protein change: p.Ile230Asn; replaces isoleucine 230 with asparagine.
Molecular consequence: missense variant. On other transcripts: non-coding transcript variant (1).
Genome position (GRCh38, 1-based): chrX:149,498,126, A>T on the plus strand (T>A on the coding strand, the complement: IDS is on the minus strand). VCF-style: chrX-149498126-A-T. GRCh37 (hg19) VCF-style: chrX-148579657-A-T.
Other names: c.419T>A, p.Ile140Asn (NM_001166550.4); c.689T>A, p.Ile230Asn (NM_006123.5); short protein forms I230N, I140N.
Identifiers: ClinVar variation 3692569 (VCV003692569.3).